The following is an entry in ClinVar:

NM_001378418.1(TCF20):c.1511C>G (p.Ser504Cys)

Gene: TCF20 (transcription factor 20; minus strand). Cytogenetic location: 22q13.2.
Variant type: single nucleotide variant.
Coding change: c.1511C>G on transcript NM_001378418.1 (MANE Select); coding-DNA position 1511, C replaced by G.
Protein change: p.Ser504Cys; replaces serine 504 with cysteine.
Molecular consequence: missense variant.
Genome position (GRCh38, 1-based): chr22:42,213,795, G>C on the plus strand (C>G on the coding strand, the complement: TCF20 is on the minus strand). VCF-style: chr22-42213795-G-C. GRCh37 (hg19) VCF-style: chr22-42609801-G-C.
Other names: c.1511C>G, p.Ser504Cys (NM_005650.4, NM_181492.3); short protein forms S504C.
Identifiers: ClinVar variation 4687784 (VCV004687784.1).

ClinVar aggregate classification (germline): Uncertain significance (1 of 4 stars; one submission).

Submission:

Women's Health and Genetics/Laboratory Corporation of America, LabCorp
Classification: Uncertain significance. Last evaluated: 2025-10-31. Review status: criteria provided, single submitter. Criteria: LabCorp Variant Classification Summary - May 2015. Collection method: clinical testing. Allele origin: germline.
Comment: Variant summary: TCF20 c.1511C>G (p.Ser504Cys) results in a non-conservative amino acid change in the encoded protein sequence. Algorithms developed to predict the effect of missense changes on protein structure and function are either unavailable or do not agree on the potential impact of this missense change. The variant was absent in 251206 control chromosomes. The available data on variant occurrences in the general population are insufficient to allow any conclusion about variant significance. To our knowledge, no occurrence of c.1511C>G in individuals affected with TCF20-related conditions and no experimental evidence demonstrating its impact on protein function have been reported. No submitters have cited clinical-significance assessments for this variant to ClinVar. Based on the evidence outlined above, the variant was classified as uncertain significance.